The following is an entry in ClinVar:

ClinVar aggregate classification (germline): Uncertain significance (1 of 4 stars; one submission).

Conditions:
Progressive familial heart block type IB (PFHB1B). Identifiers: Orphanet 871, MedGen C1970298, MONDO:0011474, OMIM 604559.

Allele frequency attached by ClinVar (database versions not stated): gnomAD exomes below 0.00001.

Submission:

Labcorp Genetics (formerly Invitae), Labcorp
Classification: Uncertain significance for Progressive familial heart block type IB. Last evaluated: 2022-08-23. Review status: criteria provided, single submitter. Criteria: Invitae Variant Classification Sherloc (09022015). Collection method: clinical testing. Allele origin: germline.
Comment: This sequence change affects the initiator methionine of the TRPM4 mRNA. The next in-frame methionine is located at codon 49. This variant is not present in population databases (gnomAD no frequency). This variant has not been reported in the literature in individuals affected with TRPM4-related conditions. Experimental studies and prediction algorithms are not available or were not evaluated, and the functional significance of this variant is currently unknown. In summary, the available evidence is currently insufficient to determine the role of this variant in disease. Therefore, it has been classified as a Variant of Uncertain Significance.

NM_017636.4(TRPM4):c.2T>C (p.Met1Thr)

Gene: TRPM4 (transient receptor potential cation channel subfamily M member 4; plus strand). Cytogenetic location: 19q13.33.
Variant type: single nucleotide variant.
Coding change: c.2T>C on transcript NM_017636.4 (MANE Select); coding-DNA position 2, T replaced by C.
Protein change: p.Met1Thr; changes the start codon (methionine 1).
Molecular consequence: missense variant, initiator codon variant. On other transcripts: 5 prime UTR variant (3).
Genome position (GRCh38, 1-based): chr19:49,157,868, T>C. VCF-style: chr19-49157868-T-C. GRCh37 (hg19) VCF-style: chr19-49661125-T-C.
Other names: c.2T>C, p.Met1Thr (NM_001195227.2, NM_001321281.2); c.-1371T>C (NM_001321282.2); c.-165T>C (NM_001321283.2); c.-328T>C (NM_001321285.2); short protein forms M1T.
Identifiers: ClinVar variation 2174588 (VCV002174588.5), dbSNP rs2041541781, ClinGen allele CA406787607.